The following is an entry in ClinVar:

ClinVar aggregate classification (germline): Likely pathogenic (1 of 4 stars; one submission).

Allele frequency attached by ClinVar (database versions not stated): TOPMed 0.00006; gnomAD 0.00007; ESP Exome Variant Server 0.00015.
gnomAD v4.1: 77 of 1,613,020 alleles (0.0048%); highest among the groups gnomAD compares: Non-Finnish European, 0.0063%; no homozygotes.

Submission:

Labcorp Genetics (formerly Invitae), Labcorp
Classification: Likely pathogenic. Last evaluated: 2022-07-05. Review status: criteria provided, single submitter. Criteria: Invitae Variant Classification Sherloc (09022015). Collection method: clinical testing. Allele origin: germline.
Comment: This sequence change affects a donor splice site in intron 6 of the SVIL gene. It is expected to disrupt RNA splicing. Variants that disrupt the donor or acceptor splice site typically lead to a loss of protein function (PMID: 16199547), and loss-of-function variants in SVIL are known to be pathogenic (PMID: 32779703). This variant is present in population databases (rs369519072, gnomAD 0.005%). This variant has not been reported in the literature in individuals affected with SVIL-related conditions. Algorithms developed to predict the effect of sequence changes on RNA splicing suggest that this variant may disrupt the consensus splice site. In summary, the currently available evidence indicates that the variant is pathogenic, but additional data are needed to prove that conclusively. Therefore, this variant has been classified as Likely Pathogenic.

Literature cited by the submitters: PubMed 16199547; PubMed 32779703.

NM_021738.3(SVIL):c.8+1G>A

Gene: SVIL (supervillin; minus strand). Cytogenetic location: 10p11.23.
Variant type: single nucleotide variant.
Coding change: c.8+1G>A on transcript NM_021738.3 (MANE Select); the canonical splice donor site of the intron after coding-DNA position 8, G replaced by A.
Molecular consequence: splice donor variant.
Genome position (GRCh38, 1-based): chr10:29,555,050, C>T on the plus strand (G>A on the coding strand, the complement: SVIL is on the minus strand). VCF-style: chr10-29555050-C-T. GRCh37 (hg19) VCF-style: chr10-29843979-C-T.
Other names: c.8+1G>A (NM_001323599.2, NM_001323600.1, NM_003174.3).
Identifiers: ClinVar variation 2061785 (VCV002061785.1), dbSNP rs369519072, ClinGen allele CA205253791.